The following is an entry in ClinVar:

NM_004006.3(DMD):c.802T>C (p.Leu268=)

Gene: DMD (dystrophin; minus strand). Cytogenetic location: Xp21.1.
Variant type: single nucleotide variant.
Coding change: c.802T>C on transcript NM_004006.3 (MANE Select); coding-DNA position 802, T replaced by C.
Protein change: p.Leu268=; no amino-acid change (leucine 268 retained).
Molecular consequence: synonymous variant.
Genome position (GRCh38, 1-based): chrX:32,699,141, A>G on the plus strand (T>C on the coding strand, the complement: DMD is on the minus strand). VCF-style: chrX-32699141-A-G. GRCh37 (hg19) VCF-style: chrX-32717258-A-G.
Other names: p.L268L:TTA>CTA; p.Leu268=; c.778T>C, p.Leu260= (NM_000109.4); c.790T>C, p.Leu264= (NM_004009.3); c.433T>C, p.Leu145= (NM_004010.3).
Identifiers: ClinVar variation 94784 (VCV000094784.74), dbSNP rs1800264, ClinGen allele CA285608.

ClinVar aggregate classification (germline): Benign/Likely benign. Review status: criteria provided, multiple submitters, no conflicts (2 of 4 stars). 14 submissions from 14 submitters: Benign (11); Likely benign (2). 1 of the submissions does not count toward it. Last evaluated 2026-02-04.

Conditions:
Cardiovascular phenotype. Identifiers: MedGen CN230736.
Cardiomyopathy (CMYO). Also called: Cardiomyopathies. Identifiers: Orphanet 167848, MedGen C0878544, MONDO:0004994, HP:0001638. Inheritance: Various modes of inheritance.
Becker muscular dystrophy (BMD). Also called: MUSCULAR DYSTROPHY, PSEUDOHYPERTROPHIC PROGRESSIVE, BECKER TYPE; Becker Muscular Dystrophy (BMD). Identifiers: Orphanet 98895, MedGen C0917713, MONDO:0010311, OMIM 300376.
Duchenne muscular dystrophy (DMD). Also called: Duchenne Muscular Dystrophy (DMD); MUSCULAR DYSTROPHY, PSEUDOHYPERTROPHIC PROGRESSIVE, DUCHENNE TYPE. Identifiers: Orphanet 98896, MedGen C0013264, MONDO:0010679, OMIM 310200.
Dystrophin deficiency.
Dilated cardiomyopathy 3B (CMD3B). Also called: CMD3B: DMD-Related Dilated Cardiomyopathy; CARDIOMYOPATHY, DILATED, X-LINKED; DMD-Associated Dilated Cardiomyopathy. Identifiers: Orphanet 154, MedGen C3668940, MONDO:0010542, OMIM 302045.

Allele frequency attached by ClinVar (database versions not stated): ESP Exome Variant Server 0.00009; gnomAD 0.00307 and 0.00347; TOPMed 0.00592; 1000 Genomes Project 0.00954; 1000 Genomes Project 30x 0.01041.
gnomAD v4.1: 2,819 of 1,208,727 alleles (0.23%); highest among the groups gnomAD compares: Admixed American, 4%; 38 homozygotes.

Submissions (14):

Labcorp Genetics (formerly Invitae), Labcorp
Classification: Benign for Duchenne muscular dystrophy. Last evaluated: 2026-02-04. Review status: criteria provided, single submitter. Criteria: Invitae Variant Classification Sherloc (09022015). Collection method: clinical testing. Allele origin: germline.

ARUP Laboratories, Molecular Genetics and Genomics, ARUP Laboratories
Classification: Benign. Last evaluated: 2025-06-02. Review status: criteria provided, single submitter. Criteria: ARUP Molecular Germline Variant Investigation Process 2024. Collection method: clinical testing. Allele origin: germline.

Molecular Diagnostic Laboratory for Inherited Cardiovascular Disease, Montreal Heart Institute
Classification: Benign. Last evaluated: 2025-04-09. Review status: criteria provided, single submitter. Criteria: ACMG Guidelines, 2015. Collection method: clinical testing. Allele origin: germline. Affected: no.

Blueprint Genetics
Classification: Benign. Last evaluated: 2024-11-11. Review status: criteria provided, single submitter. Criteria: ACMG Guidelines, 2015. Collection method: clinical testing. Allele origin: germline.

Mayo Clinic Laboratories, Mayo Clinic
Classification: Benign. Last evaluated: 2024-01-25. Review status: criteria provided, single submitter. Criteria: ACMG Guidelines, 2015. Collection method: clinical testing. Allele origin: germline. Observed: 11 variant alleles.
Comment: BS1, BS2, BP4, BP7

Women's Health and Genetics/Laboratory Corporation of America, LabCorp
Classification: Benign. Last evaluated: 2019-08-16. Review status: criteria provided, single submitter. Criteria: LabCorp Variant Classification Summary - May 2015. Collection method: clinical testing. Allele origin: germline.

Illumina Laboratory Services, Illumina
Classification: Benign for Dilated cardiomyopathy 3B. Last evaluated: 2018-01-12. Review status: criteria provided, single submitter. Criteria: ICSL Variant Classification Criteria 13 December 2019. Collection method: clinical testing. Allele origin: germline.
Comment: This variant was observed in the ICSL laboratory as part of a predisposition screen in an ostensibly healthy population. It had not been previously curated by ICSL or reported in the Human Gene Mutation Database (HGMD: prior to June 1st, 2018), and was therefore a candidate for classification through an automated scoring system. Utilizing variant allele frequency, disease prevalence and penetrance estimates, and inheritance mode, an automated score was calculated to assess if this variant is too frequent to cause the disease. Based on the score and internal cut-off values, a variant classified as benign is not then subjected to further curation. The score for this variant resulted in a classification of benign for this disease.

Athena Diagnostics
Classification: Benign. Last evaluated: 2017-09-12. Review status: criteria provided, single submitter. Criteria: Athena Diagnostics Criteria. Collection method: clinical testing. Allele origin: germline.

Eurofins Ntd Llc (ga)
Classification: Benign. Last evaluated: 2015-11-11. Review status: criteria provided, single submitter. Criteria: EGL Classification Definitions 2015. Collection method: clinical testing. Allele origin: germline. Observed: 6 variant alleles, 2 heterozygotes, 1 homozygote, 3 hemizygotes.

Ambry Genetics
Classification: Likely benign for Cardiovascular phenotype. Last evaluated: 2015-11-10. Review status: criteria provided, single submitter. Criteria: Ambry Variant Classification Scheme 2023. Collection method: clinical testing. Allele origin: germline.

Laboratory for Molecular Medicine, Mass General Brigham Personalized Medicine
Classification: Benign. Last evaluated: 2015-08-12. Review status: criteria provided, single submitter. Criteria: LMM Criteria. Collection method: clinical testing. Allele origin: germline. Observed: 1 variant allele.
Comment: p.Leu268Leu in exon 8 of DMD: This variant is not expected to have clinical sign ificance because it does not alter an amino acid residue and is not located with in the splice consensus sequence. It has been identified in 4.5% (421/9271) of L atino chromosomes by the Exome Aggregation Consortium (ExAC; dbSNP rs1800264).

GeneDx
Classification: Benign. Last evaluated: 2014-04-15. Review status: criteria provided, single submitter. Criteria: GeneDx Variant Classification (06012015). Collection method: clinical testing. Allele origin: germline. Affected: yes.
Comment: This variant is considered likely benign or benign based on one or more of the following criteria: it is a conservative change, it occurs at a poorly conserved position in the protein, it is predicted to be benign by multiple in silico algorithms, and/or has population frequency not consistent with disease.

Breakthrough Genomics
Classification: Likely benign. Review status: criteria provided, single submitter. Criteria: ACMG Guidelines, 2015. Collection method: not provided. Allele origin: germline. Inheritance: X-linked inheritance. Affected: yes.

Natera, Inc.
Classification: Likely benign for Becker muscular dystrophy; Cardiomyopathy; Duchenne muscular dystrophy; Dystrophin deficiency. Last evaluated: 2017-08-09. Review status: no assertion criteria provided. Collection method: clinical testing. Allele origin: germline. Not counted in ClinVar's aggregate classification.

Literature cited by the submitters: PubMed 19937601 (cited by Mayo Clinic Laboratories, Mayo Clinic and Athena Diagnostics).